The following is an entry in ClinVar:

ClinVar aggregate classification (germline): Uncertain significance (1 of 4 stars; one submission).

Conditions:
Inborn genetic diseases. Identifiers: MedGen C0950123, MeSH D030342.

gnomAD v4.1: 2 of 1,613,858 alleles (0.00012%); highest among the groups gnomAD compares: Non-Finnish European, 0.00017%; no homozygotes.

Submission:

Ambry Genetics
Classification: Uncertain significance for Inborn genetic diseases. Last evaluated: 2024-09-01. Review status: criteria provided, single submitter. Criteria: Ambry Variant Classification Scheme 2023. Collection method: clinical testing. Allele origin: germline.
Comment: The p.H415R variant (also known as c.1244A>G), located in coding exon 11 of the AKT1 gene, results from an A to G substitution at nucleotide position 1244. The histidine at codon 415 is replaced by arginine, an amino acid with highly similar properties. This amino acid position is conserved. In addition, this alteration is predicted to be tolerated by in silico analysis. Based on the available evidence, the clinical significance of this variant remains unclear.

NM_001382430.1(AKT1):c.1244A>G (p.His415Arg)

Gene: AKT1 (AKT serine/threonine kinase 1; minus strand). Cytogenetic location: 14q32.33.
Variant type: single nucleotide variant.
Coding change: c.1244A>G on transcript NM_001382430.1 (MANE Select); coding-DNA position 1244, A replaced by G.
Protein change: p.His415Arg; replaces histidine 415 with arginine.
Molecular consequence: missense variant.
Genome position (GRCh38, 1-based): chr14:104,772,381, T>C on the plus strand (A>G on the coding strand, the complement: AKT1 is on the minus strand). VCF-style: chr14-104772381-T-C. GRCh37 (hg19) VCF-style: chr14-105238718-T-C.
Other names: c.1244A>G, p.His415Arg (NM_001014431.2, NM_001014432.2, NM_001382431.1 and 3 more transcripts); short protein forms H415R.
Identifiers: ClinVar variation 3518994 (VCV003518994.1).